The following is an entry in ClinVar:

NM_183075.3(CYP2U1):c.1307T>C (p.Ile436Thr)

Gene: CYP2U1 (cytochrome P450 family 2 subfamily U member 1; plus strand). Cytogenetic location: 4q25.
Variant type: single nucleotide variant.
Coding change: c.1307T>C on transcript NM_183075.3 (MANE Select); coding-DNA position 1307, T replaced by C.
Protein change: p.Ile436Thr; replaces isoleucine 436 with threonine.
Molecular consequence: missense variant.
Genome position (GRCh38, 1-based): chr4:107,949,368, T>C. VCF-style: chr4-107949368-T-C. GRCh37 (hg19) VCF-style: chr4-108870524-T-C.
Other names: short protein forms I436T.
Identifiers: ClinVar variation 3778669 (VCV003778669.1).
Genomic context (GRCh38, chr4:107,949,368, plus strand): 5'-AAAGCATACTGAATAACACCCATATGTTTCCTTTTGTTTTAGTGCTCCAAGGGTATACCA[T>C]TCCTAAAGGCACATTGATCTTACCCAACCTGTGGTCAGTACATAGAGACCCAGCCATTTG-3'
Protein context (NP_898898.1, residues 426-446): SENTVLQGYT[Ile436Thr]PKGTLILPNL

ClinVar aggregate classification (germline): Pathogenic (0 of 4 stars; one submission).

Conditions:
Hereditary spastic paraplegia 56. Also called: Spastic paraplegia 56, autosomal recessive; Spastic Paraplegia 56; SPASTIC PARAPLEGIA 56, AUTOSOMAL RECESSIVE, WITH OR WITHOUT PSEUDOXANTHOMA ELASTICUM. Identifiers: Orphanet 320411, MedGen C3539507, MONDO:0014015, OMIM 615030.

Submission:

Medical Genetics Laboratory, AJA University of Medical Sciences
Classification: Pathogenic for Hereditary spastic paraplegia 56. Review status: no assertion criteria provided. Collection method: clinical testing. Allele origin: germline. Inheritance: Autosomal dominant inheritance. Affected: yes. Observed: 1 homozygote.
Comment: The p.Ile436Thr variant in CYP2U1 gene causes a missense change involving the alteration of a conserved nucleotide. The variant was absent in control chromosomes in GnomAD project. In-silico tool predicts a pathogenic outcome for this variant.